The following is an entry in ClinVar:

ClinVar aggregate classification (germline): Uncertain significance (1 of 4 stars; one submission).

Conditions:
Charcot-Marie-Tooth disease axonal type 2O. Also called: CHARCOT-MARIE-TOOTH NEUROPATHY, AXONAL, TYPE 2O; CHARCOT-MARIE-TOOTH DISEASE, AXONAL, AUTOSOMAL DOMINANT, TYPE 2O; Charcot-Marie-Tooth Neuropathy Type 2O; Charcot-Marie-Tooth disease, axonal, type 20. Identifiers: Orphanet 284232, MedGen C3280220, MONDO:0013644, OMIM 614228.

Submission:

Labcorp Genetics (formerly Invitae), Labcorp
Classification: Uncertain significance for Charcot-Marie-Tooth disease axonal type 2O. Last evaluated: 2025-01-30. Review status: criteria provided, single submitter. Criteria: Invitae Variant Classification Sherloc (09022015). Collection method: clinical testing. Allele origin: germline.
Comment: This sequence change falls in intron 72 of the DYNC1H1 gene. It does not directly change the encoded amino acid sequence of the DYNC1H1 protein. This variant is not present in population databases (gnomAD no frequency). This variant has not been reported in the literature in individuals affected with DYNC1H1-related conditions. Experimental studies and prediction algorithms are not available or were not evaluated, and the effect of this variant on mRNA splicing is currently unknown. In summary, the available evidence is currently insufficient to determine the role of this variant in disease. Therefore, it has been classified as a Variant of Uncertain Significance.

NM_001376.5(DYNC1H1):c.13006+35_13006+90del

Gene: DYNC1H1 (dynein cytoplasmic 1 heavy chain 1; plus strand). Cytogenetic location: 14q32.31.
Variant type: Deletion.
Coding change: c.13006+35_13006+90del on transcript NM_001376.5 (MANE Select); bases 35 to 90 of the intron after coding-DNA position 13006, 56 bases deleted.
Molecular consequence: intron variant.
Genome position (GRCh38, 1-based): chr14:102,044,733-102,044,788, 56 bases deleted. GRCh37 (hg19): chr14:102,511,070-102,511,125.
Identifiers: ClinVar variation 3729829 (VCV003729829.2).